The following is an entry in ClinVar:

ClinVar aggregate classification (germline): Uncertain significance. Review status: criteria provided, multiple submitters, no conflicts (2 of 4 stars). 2 submissions from 2 submitters: Uncertain significance (2). Last evaluated 2026-03-12.

Conditions:
LRP5-related disorder. Also called: LRP5-related condition.

Allele frequency attached by ClinVar (database versions not stated): gnomAD 0.00001.

Submissions (2):

PreventionGenetics, part of Exact Sciences
Classification: Uncertain significance for LRP5-related condition. Last evaluated: 2026-03-12. Review status: criteria provided, single submitter. Criteria: ACMG Guidelines, 2015. Collection method: clinical testing. Allele origin: germline.
Comment: The LRP5 c.3535C>T variant is predicted to result in the amino acid substitution p.Arg1179Cys. To our knowledge, this variant has not been reported in the literature. This variant is reported in 0.0028% of alleles in individuals of Latino descent in gnomAD. An alternate missense change at the same amino acid position (p.Arg1179His) has been reported in individuals affected with LRP5-related disorders (Chen et al. 2022. PubMed ID: 36018796; Li et al. 2018. PubMed ID: 30452590) and has been classified as a variant of uncertain significance. At this time, the clinical significance of this variant is uncertain due to the absence of conclusive functional and genetic evidence.

Labcorp Genetics (formerly Invitae), Labcorp
Classification: Uncertain significance. Last evaluated: 2025-12-24. Review status: criteria provided, single submitter. Criteria: Invitae Variant Classification Sherloc (09022015). Collection method: clinical testing. Allele origin: germline.
Comment: This sequence change replaces arginine, which is basic and polar, with cysteine, which is neutral and slightly polar, at codon 1179 of the LRP5 protein (p.Arg1179Cys). This variant is present in population databases (rs780585577, gnomAD 0.003%). This variant has not been reported in the literature in individuals affected with LRP5-related conditions. ClinVar contains an entry for this variant (Variation ID: 1060511). Invitae Evidence Modeling of protein sequence and biophysical properties (such as structural, functional, and spatial information, amino acid conservation, physicochemical variation, residue mobility, and thermodynamic stability) has been performed for this missense variant. However, the output from this modeling did not meet the statistical confidence thresholds required to predict the impact of this variant on LRP5 protein function. In summary, the available evidence is currently insufficient to determine the role of this variant in disease. Therefore, it has been classified as a Variant of Uncertain Significance.

NM_002335.4(LRP5):c.3535C>T (p.Arg1179Cys)

Gene: LRP5 (LDL receptor related protein 5; plus strand). Cytogenetic location: 11q13.2.
Variant type: single nucleotide variant.
Coding change: c.3535C>T on transcript NM_002335.4 (MANE Select); coding-DNA position 3535, C replaced by T.
Protein change: p.Arg1179Cys; replaces arginine 1179 with cysteine.
Molecular consequence: missense variant.
Genome position (GRCh38, 1-based): chr11:68,426,085, C>T. VCF-style: chr11-68426085-C-T. GRCh37 (hg19) VCF-style: chr11-68193553-C-T.
Other names: c.1792C>T, p.Arg598Cys (NM_001291902.2); c.3535C>T (NM_002335.3); short protein forms R1179C, R598C.
Identifiers: ClinVar variation 1060511 (VCV001060511.10), dbSNP rs780585577, ClinGen allele CA6150022.